The following is an entry in ClinVar:

ClinVar aggregate classification (germline): Uncertain significance (1 of 4 stars; one submission).

Conditions:
Baller-Gerold syndrome (BGS). Also called: CRANIOSYNOSTOSIS WITH RADIAL DEFECTS. Identifiers: Orphanet 1225, MedGen C0265308, MONDO:0009039, OMIM 218600.

Submission:

Labcorp Genetics (formerly Invitae), Labcorp
Classification: Uncertain significance for Baller-Gerold syndrome. Last evaluated: 2024-02-05. Review status: criteria provided, single submitter. Criteria: Invitae Variant Classification Sherloc (09022015). Collection method: clinical testing. Allele origin: germline.
Comment: This sequence change replaces valine, which is neutral and non-polar, with leucine, which is neutral and non-polar, at codon 428 of the RECQL4 protein (p.Val428Leu). This variant is not present in population databases (gnomAD no frequency). This variant has not been reported in the literature in individuals affected with RECQL4-related conditions. Experimental studies and prediction algorithms are not available or were not evaluated, and the functional significance of this variant is currently unknown. In summary, the available evidence is currently insufficient to determine the role of this variant in disease. Therefore, it has been classified as a Variant of Uncertain Significance.

NM_004260.4(RECQL4):c.1282G>C (p.Val428Leu)

Gene: RECQL4 (RecQ like helicase 4; minus strand). Cytogenetic location: 8q24.3.
Variant type: single nucleotide variant.
Coding change: c.1282G>C on transcript NM_004260.4 (MANE Select); coding-DNA position 1282, G replaced by C.
Protein change: p.Val428Leu; replaces valine 428 with leucine.
Molecular consequence: missense variant. On other transcripts: 5 prime UTR variant (1), non-coding transcript variant (3).
Genome position (GRCh38, 1-based): chr8:144,515,434, C>G on the plus strand (G>C on the coding strand, the complement: RECQL4 is on the minus strand). VCF-style: chr8-144515434-C-G. GRCh37 (hg19) VCF-style: chr8-145740818-C-G.
Other names: c.1186G>C, p.Val396Leu (NM_001413017.1, NM_001413020.1); c.1282G>C, p.Val428Leu (NM_001413018.1, NM_001413019.1, NM_001413033.1 and 2 more transcripts); c.211G>C, p.Val71Leu (NM_001413021.1, NM_001413022.1, NM_001413023.1 and 8 more transcripts); c.1153G>C, p.Val385Leu (NM_001413025.1); c.145G>C, p.Val49Leu (NM_001413027.1, NM_001413030.1, NM_001413031.1 and 2 more transcripts); c.931G>C, p.Val311Leu (NM_001413029.1); c.-186G>C (NM_001413043.1); short protein forms V311L, V385L, V49L, V71L, V396L, V428L.
Identifiers: ClinVar variation 2859300 (VCV002859300.3), dbSNP rs2538065336, ClinGen allele CA372685928.
Genomic context (GRCh38, chr8:144,515,434, plus strand): 5'-GGTCCAGGCTGGGCACCTCAGGTACAGGTTGTGGTGAAGGAACCAGTGGCTCAGGCCCAA[C>G]AGCATCTGTGTCTTCCTCACTTGCTGGGGCAGGCAGGAGAGGGTAGAATGGGAGCTCCAG-3'
Protein context (NP_004251.4, residues 418-438): RPASEEDTDA[Val428Leu]GPEPLVPSPQ